The following is an entry in ClinVar:

NM_016111.4(TELO2):c.1098C>T (p.Ile366=)

Gene: TELO2 (telomere maintenance 2; plus strand). Cytogenetic location: 16p13.3.
Variant type: single nucleotide variant.
Coding change: c.1098C>T on transcript NM_016111.4 (MANE Select); coding-DNA position 1098, C replaced by T.
Protein change: p.Ile366=; no amino-acid change (isoleucine 366 retained).
Molecular consequence: synonymous variant.
Genome position (GRCh38, 1-based): chr16:1,500,442, C>T. VCF-style: chr16-1500442-C-T. GRCh37 (hg19) VCF-style: chr16-1550443-C-T.
Other names: c.1098C>T, p.Ile366= (NM_001351846.2).
Identifiers: ClinVar variation 2645900 (VCV002645900.24), dbSNP rs749667117, ClinGen allele CA7811937.

ClinVar aggregate classification (germline): Likely benign (1 of 4 stars; one submission).

Allele frequency attached by ClinVar (database versions not stated): gnomAD 0.00002; TOPMed 0.00002; ExAC 0.00003; gnomAD exomes 0.00008.
gnomAD v4.1: 119 of 1,609,668 alleles (0.0074%); highest among the groups gnomAD compares: Non-Finnish European, 0.0095%; no homozygotes.

Submission:

CeGaT Center for Human Genetics Tuebingen
Classification: Likely benign. Last evaluated: 2023-07-01. Review status: criteria provided, single submitter. Criteria: CeGaT Center For Human Genetics Tuebingen Variant Classification Criteria Version 2. Collection method: clinical testing. Allele origin: germline. Affected: yes. Observed: 1 variant allele.
Comment: TELO2: BP4, BP7